The following is an entry in ClinVar:

ClinVar aggregate classification (germline): Likely benign (1 of 4 stars; one submission).

gnomAD v4.1: 3 of 1,612,538 alleles (0.00019%); highest among the groups gnomAD compares: Non-Finnish European, 0.00025%; no homozygotes.

Submission:

CeGaT Center for Human Genetics Tuebingen
Classification: Likely benign. Last evaluated: 2024-07-01. Review status: criteria provided, single submitter. Criteria: CeGaT Center For Human Genetics Tuebingen Variant Classification Criteria Version 2. Collection method: clinical testing. Allele origin: germline. Affected: yes. Observed: 1 variant allele.
Comment: CDC42BPB: BP4, BP7

NM_006035.4(CDC42BPB):c.4821G>A (p.Leu1607=)

Gene: CDC42BPB (CDC42 binding protein kinase beta; minus strand). Cytogenetic location: 14q32.32.
Variant type: single nucleotide variant.
Coding change: c.4821G>A on transcript NM_006035.4 (MANE Select); coding-DNA position 4821, G replaced by A.
Protein change: p.Leu1607=; no amino-acid change (leucine 1607 retained).
Molecular consequence: synonymous variant.
Genome position (GRCh38, 1-based): chr14:102,939,616, C>T on the plus strand (G>A on the coding strand, the complement: CDC42BPB is on the minus strand). VCF-style: chr14-102939616-C-T. GRCh37 (hg19) VCF-style: chr14-103405953-C-T.
Other names: c.4743G>A, p.Leu1581= (NM_001411054.1).
Identifiers: ClinVar variation 3257152 (VCV003257152.17).
Genomic context (GRCh38, chr14:102,939,616, plus strand): 5'-GCGGGGAGGAGGAGATGGGGTGCCCTGCCCGCCCTATCCCGGCCGTGCACGCACCAGAGG[C>T]AGGTCCATGAGCACCTGCATGCCGTCGCCTGGGCCCATGTGGGCCACGTGGTTGAAGTTG-3'
Protein context (NP_006026.3, residues 1597-1617): PGDGMQVLMD[Leu1607=]PLSAVPPSQE